The following is an entry in ClinVar:

ClinVar aggregate classification (germline): Uncertain significance (1 of 4 stars; one submission).

gnomAD v4.1: 22 of 1,608,150 alleles (0.0014%); highest among the groups gnomAD compares: Non-Finnish European, 0.0017%; no homozygotes.

Submission:

Labcorp Genetics (formerly Invitae), Labcorp
Classification: Uncertain significance. Last evaluated: 2025-01-13. Review status: criteria provided, single submitter. Criteria: Invitae Variant Classification Sherloc (09022015). Collection method: clinical testing. Allele origin: germline.
Comment: This sequence change replaces glutamic acid, which is acidic and polar, with lysine, which is basic and polar, at codon 423 of the LCA5 protein (p.Glu423Lys). This variant is present in population databases (rs777920075, gnomAD 0.0009%). This variant has not been reported in the literature in individuals affected with LCA5-related conditions. ClinVar contains an entry for this variant (Variation ID: 2140223). Invitae Evidence Modeling of protein sequence and biophysical properties (such as structural, functional, and spatial information, amino acid conservation, physicochemical variation, residue mobility, and thermodynamic stability) indicates that this missense variant is not expected to disrupt LCA5 protein function with a negative predictive value of 80%. In summary, the available evidence is currently insufficient to determine the role of this variant in disease. Therefore, it has been classified as a Variant of Uncertain Significance.

NM_001122769.3(LCA5):c.1267G>A (p.Glu423Lys)

Gene: LCA5 (lebercilin LCA5; minus strand). Cytogenetic location: 6q14.1.
Variant type: single nucleotide variant.
Coding change: c.1267G>A on transcript NM_001122769.3 (MANE Select); coding-DNA position 1267, G replaced by A.
Protein change: p.Glu423Lys; replaces glutamic acid 423 with lysine.
Molecular consequence: missense variant.
Genome position (GRCh38, 1-based): chr6:79,487,831, C>T on the plus strand (G>A on the coding strand, the complement: LCA5 is on the minus strand). VCF-style: chr6-79487831-C-T. GRCh37 (hg19) VCF-style: chr6-80197548-C-T.
Other names: c.1267G>A, p.Glu423Lys (NM_181714.4); short protein forms E423K.
Identifiers: ClinVar variation 2140223 (VCV002140223.2), dbSNP rs777920075, ClinGen allele CA3900855.
Genomic context (GRCh38, chr6:79,487,831, plus strand): 5'-GTTGGTACCTTCCAGTTTCCCACTCTGGCTTTTCTTCTCTTTCCAGTAAAGATGCCTTTT[C>T]TTTTTGCTTTTTATCAAGTTCTTCTCTTTCCCATTCTGTATGAAATCAAATTTTTTAAAT-3'
Protein context (NP_001116241.1, residues 413-433): EREELDKKQK[Glu423Lys]KASLLEREEK